The following is an entry in ClinVar:

NM_001130438.3(SPTAN1):c.6708-1186C>T

Gene: SPTAN1 (spectrin alpha, non-erythrocytic 1; plus strand). Cytogenetic location: 9q34.11.
Variant type: single nucleotide variant.
Coding change: c.6708-1186C>T on transcript NM_001130438.3 (MANE Select); 1186 bases into the intron before coding-DNA position 6708, C replaced by T.
Molecular consequence: intron variant. On other transcripts: missense variant (2).
Genome position (GRCh38, 1-based): chr9:128,629,135, C>T. VCF-style: chr9-128629135-C-T. GRCh37 (hg19) VCF-style: chr9-131391414-C-T.
Other names: c.6718C>T, p.Arg2240Cys (NM_001363759.2); c.6754C>T, p.Arg2252Cys (NM_001375318.1); c.6744-1186C>T (NM_001375312.2); c.6708-1186C>T (NM_001375311.2); c.6648-1186C>T (NM_001375314.2, NM_001363765.2); c.6795-1186C>T (NM_001375310.1); c.6690-1186C>T (NM_001375313.1); c.6693-1186C>T (NM_003127.4); and 1 more; short protein forms R2240C, R2252C.
Identifiers: ClinVar variation 2659546 (VCV002659546.24), dbSNP rs1010329173, ClinGen allele CA200409675.

ClinVar aggregate classification (germline): Likely benign (1 of 4 stars; one submission).

Allele frequency attached by ClinVar (database versions not stated): gnomAD 0.00002; gnomAD exomes 0.00003; TOPMed 0.00005.
gnomAD v4.1: 9 of 398,604 alleles (0.0023%); highest among the groups gnomAD compares: Middle Eastern, 0.19%; no homozygotes.

Submission:

CeGaT Center for Human Genetics Tuebingen
Classification: Likely benign. Last evaluated: 2022-03-01. Review status: criteria provided, single submitter. Criteria: CeGaT Center For Human Genetics Tuebingen Variant Classification Criteria Version 2. Collection method: clinical testing. Allele origin: germline. Affected: yes. Observed: 1 variant allele.
Comment: SPTAN1: PP2, BS1